The following is an entry in ClinVar:

ClinVar aggregate classification (germline): Uncertain significance (1 of 4 stars; one submission).

Conditions:
Nephronophthisis 18 (NPHP18). Identifiers: Orphanet 655, MedGen C3890591, MONDO:0014374, OMIM 615862.

Submission:

Labcorp Genetics (formerly Invitae), Labcorp
Classification: Uncertain significance for Nephronophthisis 18. Last evaluated: 2022-08-08. Review status: criteria provided, single submitter. Criteria: Invitae Variant Classification Sherloc (09022015). Collection method: clinical testing. Allele origin: germline.
Comment: This variant has not been reported in the literature in individuals affected with CEP83-related conditions. Algorithms developed to predict the effect of missense changes on protein structure and function are either unavailable or do not agree on the potential impact of this missense change (SIFT: "Not Available"; PolyPhen-2: "Benign"; Align-GVGD: "Not Available"). This sequence change replaces glutamic acid, which is acidic and polar, with lysine, which is basic and polar, at codon 322 of the CEP83 protein (p.Glu322Lys). This variant is not present in population databases (gnomAD no frequency). In summary, the available evidence is currently insufficient to determine the role of this variant in disease. Therefore, it has been classified as a Variant of Uncertain Significance.

NM_016122.3(CEP83):c.964G>A (p.Glu322Lys)

Gene: CEP83 (centrosomal protein 83; minus strand). Cytogenetic location: 12q22.
Variant type: single nucleotide variant.
Coding change: c.964G>A on transcript NM_016122.3 (MANE Select); coding-DNA position 964, G replaced by A.
Protein change: p.Glu322Lys; replaces glutamic acid 322 with lysine.
Molecular consequence: missense variant. On other transcripts: non-coding transcript variant (2).
Genome position (GRCh38, 1-based): chr12:94,370,006, C>T on the plus strand (G>A on the coding strand, the complement: CEP83 is on the minus strand). VCF-style: chr12-94370006-C-T. GRCh37 (hg19) VCF-style: chr12-94763782-C-T.
Other names: c.964G>A, p.Glu322Lys (NM_001042399.2, NM_001346457.2, NM_001346460.2 and 3 more transcripts); c.739G>A, p.Glu247Lys (NM_001368041.1); c.427G>A, p.Glu143Lys (NM_001368042.1); c.652G>A, p.Glu218Lys (NM_001346458.2, NM_001346459.2, NM_001346462.2 and 2 more transcripts); short protein forms E143K, E218K, E247K, E322K.
Identifiers: ClinVar variation 1715767 (VCV001715767.5), dbSNP rs2541710876, ClinGen allele CA386146195.